The following is an entry in ClinVar:

ClinVar aggregate classification (germline): Uncertain significance (1 of 4 stars; one submission).

Conditions:
Ellis-van Creveld syndrome (EVC). Also called: MESOECTODERMAL DYSPLASIA; EVC-Related Ellis-van Creveld Syndrome; EVC2-Related Ellis-van Creveld Syndrome; Chondroectodermal dysplasia. Identifiers: Orphanet 289, MedGen C0013903, MONDO:0009162, OMIM 225500.
Curry-Hall syndrome (WAD). Also called: WEYERS ACRODENTAL DYSOSTOSIS. Identifiers: Orphanet 952, MedGen C0457013, MONDO:0008673, OMIM 193530.

gnomAD v4.1: 15 of 1,498,020 alleles (0.001%); highest among the groups gnomAD compares: Non-Finnish European, 0.0013%; no homozygotes.

Submission:

Labcorp Genetics (formerly Invitae), Labcorp
Classification: Uncertain significance for Curry-Hall syndrome; Ellis-van Creveld syndrome. Last evaluated: 2025-07-10. Review status: criteria provided, single submitter. Criteria: Invitae Variant Classification Sherloc (09022015). Collection method: clinical testing. Allele origin: germline.
Comment: This sequence change replaces tryptophan, which is neutral and slightly polar, with cysteine, which is neutral and slightly polar, at codon 39 of the EVC2 protein (p.Trp39Cys). This variant is not present in population databases (gnomAD no frequency). This variant has not been reported in the literature in individuals affected with EVC2-related conditions. An algorithm developed to predict the effect of missense changes on protein structure and function (PolyPhen-2) suggests that this variant is likely to be tolerated. In summary, the available evidence is currently insufficient to determine the role of this variant in disease. Therefore, it has been classified as a Variant of Uncertain Significance.

NM_147127.5(EVC2):c.117G>C (p.Trp39Cys)

Gene: EVC2 (EvC ciliary complex subunit 2; minus strand). Cytogenetic location: 4p16.2.
Variant type: single nucleotide variant.
Coding change: c.117G>C on transcript NM_147127.5 (MANE Select); coding-DNA position 117, G replaced by C.
Protein change: p.Trp39Cys; replaces tryptophan 39 with cysteine.
Molecular consequence: missense variant. On other transcripts: intron variant (1).
Genome position (GRCh38, 1-based): chr4:5,708,397, C>G on the plus strand (G>C on the coding strand, the complement: EVC2 is on the minus strand). VCF-style: chr4-5708397-C-G. GRCh37 (hg19) VCF-style: chr4-5710124-C-G.
Other names: c.-13+432G>C (NM_001166136.2); short protein forms W39C.
Identifiers: ClinVar variation 4794522 (VCV004794522.1).